The following is an entry in ClinVar:

ClinVar aggregate classification (germline): Uncertain significance (1 of 4 stars; one submission).

Conditions:
Episodic ataxia type 2 (EA2). Also called: ACETAZOLAMIDE-RESPONSIVE HEREDITARY PAROXYSMAL CEREBELLAR ATAXIA; ATAXIA, EPISODIC, WITH NYSTAGMUS; ATAXIA, FAMILIAL PAROXYSMAL; CEREBELLAR ATAXIA, PAROXYSMAL, ACETAZOLAMIDE-RESPONSIVE; CEREBELLOPATHY, HEREDITARY PAROXYSMAL; EPISODIC ATAXIA, NYSTAGMUS-ASSOCIATED. Identifiers: Orphanet 97, MedGen C1720416, MONDO:0007163, OMIM 108500.
Developmental and epileptic encephalopathy, 42 (DEE42A). Also called: Epileptic encephalopathy, early infantile, 42; DEVELOPMENTAL AND EPILEPTIC ENCEPHALOPATHY 42A; EPILEPTIC ENCEPHALOPATHY, EARLY INFANTILE, 42A. Identifiers: MedGen C4310716, MONDO:0014917, OMIM 617106.

Submission:

Labcorp Genetics (formerly Invitae), Labcorp
Classification: Uncertain significance for Developmental and epileptic encephalopathy, 42; Episodic ataxia type 2. Last evaluated: 2025-06-01. Review status: criteria provided, single submitter. Criteria: Invitae Variant Classification Sherloc (09022015). Collection method: clinical testing. Allele origin: germline.
Comment: This sequence change replaces cysteine, which is neutral and slightly polar, with arginine, which is basic and polar, at codon 1844 of the CACNA1A protein (p.Cys1844Arg). This variant is not present in population databases (gnomAD no frequency). This variant has not been reported in the literature in individuals affected with CACNA1A-related conditions. An algorithm developed to predict the effect of missense changes on protein structure and function (PolyPhen-2) suggests that this variant is likely to be tolerated. In summary, the available evidence is currently insufficient to determine the role of this variant in disease. Therefore, it has been classified as a Variant of Uncertain Significance.

NM_001127222.2(CACNA1A):c.5527T>C (p.Trp1843Arg)

Gene: CACNA1A (calcium voltage-gated channel subunit alpha1 A; minus strand). Cytogenetic location: 19p13.13.
Variant type: single nucleotide variant.
Coding change: c.5527T>C on transcript NM_001127222.2 (MANE Select); coding-DNA position 5527, T replaced by C.
Protein change: p.Trp1843Arg; replaces tryptophan 1843 with arginine.
Molecular consequence: missense variant.
Genome position (GRCh38, 1-based): chr19:13,230,083, A>G on the plus strand (T>C on the coding strand, the complement: CACNA1A is on the minus strand). VCF-style: chr19-13230083-A-G. GRCh37 (hg19) VCF-style: chr19-13340897-A-G.
Other names: c.5536T>C, p.Trp1846Arg (NM_001174080.2); c.5545T>C, p.Trp1849Arg (NM_023035.3, NM_000068.4); c.5530T>C, p.Cys1844Arg (NM_001127221.2); short protein forms W1843R, W1846R, W1849R, C1844R.
Identifiers: ClinVar variation 4790258 (VCV004790258.1).
Genomic context (GRCh38, chr19:13,230,083, plus strand): 5'-TGTTCCAGTTCCAGGGAGAGGTGAGTATTGTGGCTGGAGGATTCGGGGTGACTTCTTACC[A>G]AGCTGCGGGGTCATACTCGGCCCAGACACGCACGTACTCATCCAGGTGGTGGGGGCCCAG-3'
Protein context (NP_001120694.1, residues 1833-1853): RVWAEYDPAA[Trp1843Arg]GRMPYLDMYQ